The following is an entry in ClinVar:

NM_004990.4(MARS1):c.1427C>A (p.Pro476His)

Gene: MARS1 (methionyl-tRNA synthetase 1; plus strand). Cytogenetic location: 12q13.3.
Variant type: single nucleotide variant.
Coding change: c.1427C>A on transcript NM_004990.4 (MANE Select); coding-DNA position 1427, C replaced by A.
Protein change: p.Pro476His; replaces proline 476 with histidine.
Molecular consequence: missense variant.
Genome position (GRCh38, 1-based): chr12:57,511,756, C>A. VCF-style: chr12-57511756-C-A. GRCh37 (hg19) VCF-style: chr12-57905539-C-A.
Other names: short protein forms P476H.
Identifiers: ClinVar variation 917037 (VCV000917037.3), dbSNP rs752787612, ClinGen allele CA6650516.

ClinVar aggregate classification (germline): Uncertain significance. Review status: criteria provided, multiple submitters, no conflicts (2 of 4 stars). 2 submissions from 2 submitters: Uncertain significance (2). Last evaluated 2020-10-13.

Conditions:
Charcot-Marie-Tooth disease. Also called: Charcot-Marie-Tooth Hereditary Neuropathy; Charcot-Marie-Tooth Neuropathy. Identifiers: Orphanet 166, MedGen C0007959, MONDO:0015626.

Allele frequency attached by ClinVar (database versions not stated): gnomAD below 0.00001 and 0.00002; TOPMed 0.00001; gnomAD exomes 0.00002 and 0.00007; ExAC 0.00007.
gnomAD v4.1: 41 of 1,614,062 alleles (0.0025%); highest among the groups gnomAD compares: South Asian, 0.037%; no homozygotes.

Submissions (2):

GeneDx
Classification: Uncertain significance. Last evaluated: 2020-10-13. Review status: criteria provided, single submitter. Criteria: GeneDx Variant Classification Process June 2021. Collection method: clinical testing. Allele origin: germline. Affected: yes.
Comment: In silico analysis supports that this missense variant does not alter protein structure/function; Has not been previously published as pathogenic or benign to our knowledge

Molecular Genetics Laboratory, London Health Sciences Centre
Classification: Uncertain significance for Charcot-Marie-Tooth disease. Review status: criteria provided, single submitter. Criteria: ACMG Guidelines, 2015. Collection method: clinical testing. Allele origin: germline. Affected: yes.